The following is an entry in ClinVar:

NM_000620.5(NOS1):c.*8C>T

Gene: NOS1 (nitric oxide synthase 1; minus strand). Cytogenetic location: 12q24.22.
Variant type: single nucleotide variant.
Coding change: c.*8C>T on transcript NM_000620.5 (MANE Select); 8 bases downstream of the stop codon, C replaced by T.
Molecular consequence: 3 prime UTR variant.
Genome position (GRCh38, 1-based): chr12:117,215,301, G>A on the plus strand (C>T on the coding strand, the complement: NOS1 is on the minus strand). VCF-style: chr12-117215301-G-A. GRCh37 (hg19) VCF-style: chr12-117653106-G-A.
Other names: c.*8C>T (NM_001204213.2, NM_001204214.2, NM_001204218.2).
Identifiers: ClinVar variation 3033399 (VCV003033399.2), dbSNP rs9658557, ClinGen allele CA6814245.
Genomic context (GRCh38, chr12:117,215,301, plus strand): 5'-AGAGGAAAGGTTCAGCAGTGTCTGTCCGCGCTTACAAAACTTGCAGCCGGCTGGGCAAGA[G>A]GGTCCAGTTAGGAGCTGAAAACCCTGTGGAAAGAGAAGTTGGGGGGCAGTTAGTGCCCCA-3'

ClinVar aggregate classification (germline): Benign (0 of 4 stars; one submission).

Conditions:
NOS1-related disorder. Also called: NOS1-related condition.

Allele frequency attached by ClinVar (database versions not stated): gnomAD exomes 0.00026; ExAC 0.00092; 1000 Genomes Project 30x 0.00234; 1000 Genomes Project 0.00240; gnomAD 0.00260; ESP Exome Variant Server 0.00266; TOPMed 0.00332.
gnomAD v4.1: 755 of 1,557,412 alleles (0.048%); highest among the groups gnomAD compares: African/African-American, 0.95%; 5 homozygotes.

Submission:

PreventionGenetics, part of Exact Sciences
Classification: Benign for NOS1-related condition. Last evaluated: 2019-06-17. Review status: no assertion criteria provided. Collection method: clinical testing. Allele origin: germline.
Comment: This variant is classified as benign based on ACMG/AMP sequence variant interpretation guidelines (Richards et al. 2015 PMID: 25741868, with internal and published modifications).